The following is an entry in ClinVar:

NM_177986.5(DSG4):c.2734G>A (p.Gly912Ser)

Genes: DSG1-AS1 (DSG1 antisense RNA 1; minus strand), DSG4 (desmoglein 4; plus strand). Cytogenetic location: 18q12.1.
Variant type: single nucleotide variant.
Coding change: c.2734G>A on transcript NM_177986.5 (MANE Select); coding-DNA position 2734, G replaced by A.
Protein change: p.Gly912Ser; replaces glycine 912 with serine.
Molecular consequence: missense variant.
Genome position (GRCh38, 1-based): chr18:31,413,206, G>A. VCF-style: chr18-31413206-G-A. GRCh37 (hg19) VCF-style: chr18-28993169-G-A.
Other names: c.2791G>A, p.Gly931Ser (NM_001134453.3); short protein forms G912S, G931S.
Identifiers: ClinVar variation 326450 (VCV000326450.7), dbSNP rs148204447, ClinGen allele CA8927398.
Genomic context (GRCh38, chr18:31,413,206, plus strand): 5'-GAAGAAATGGCAGCATCTGAACCCGTGGTCCATGGGGATATTATTGTGACTGAGACTTAC[G>A]GTAATGCTGATCCATGTGTGCAACCCACTACAATTATTTTTGATCCTCAGCTTGCACCCA-3'
Protein context (NP_817123.1, residues 902-922): HGDIIVTETY[Gly912Ser]NADPCVQPTT

ClinVar aggregate classification (germline): Uncertain significance. Review status: criteria provided, multiple submitters, no conflicts (2 of 4 stars). 3 submissions from 3 submitters: Uncertain significance (3). Last evaluated 2026-04-21.

Conditions:
Inborn genetic diseases. Identifiers: MedGen C0950123, MeSH D030342.
Hypotrichosis 6 (HYPT6). Also called: MONILETHRIX-LIKE HYPOTRICHOSIS; HYPOTRICHOSIS, LOCALIZED, AUTOSOMAL RECESSIVE 1. Identifiers: Orphanet 55654, MedGen C1842839, MONDO:0011932, OMIM 607903.

Allele frequency attached by ClinVar (database versions not stated): gnomAD exomes 0.00014 and 0.00017; 1000 Genomes Project 30x 0.00078; TOPMed 0.00062; gnomAD 0.00071 and 0.00066; 1000 Genomes Project 0.00040; ExAC 0.00014; ESP Exome Variant Server 0.00108.

Submissions (3):

GeneDx
Classification: Uncertain significance. Last evaluated: 2026-04-21. Review status: criteria provided, single submitter. Criteria: GeneDx Variant Classification Process June 2021. Collection method: clinical testing. Allele origin: germline.
Comment: In silico analysis suggests that this missense variant does not alter protein structure/function; Has not been previously published as pathogenic or benign to our knowledge

Ambry Genetics
Classification: Uncertain significance for Inborn genetic diseases. Last evaluated: 2024-02-13. Review status: criteria provided, single submitter. Criteria: Ambry Variant Classification Scheme 2023. Collection method: clinical testing. Allele origin: germline.

Illumina Laboratory Services, Illumina
Classification: Uncertain significance for Hypotrichosis 6. Last evaluated: 2018-01-13. Review status: criteria provided, single submitter. Criteria: ICSL Variant Classification Criteria 13 December 2019. Collection method: clinical testing. Allele origin: germline.